The following is an entry in ClinVar:

NM_205836.3(FBXO38):c.2794A>G (p.Met932Val)

Gene: FBXO38 (F-box protein 38; plus strand). Cytogenetic location: 5q32.
Variant type: single nucleotide variant.
Coding change: c.2794A>G on transcript NM_205836.3 (MANE Select); coding-DNA position 2794, A replaced by G.
Protein change: p.Met932Val; replaces methionine 932 with valine.
Molecular consequence: missense variant.
Genome position (GRCh38, 1-based): chr5:148,433,674, A>G. VCF-style: chr5-148433674-A-G. GRCh37 (hg19) VCF-style: chr5-147813237-A-G.
Other names: c.2059A>G, p.Met687Val (NM_001271723.2); c.2569A>G, p.Met857Val (NM_030793.5); short protein forms M857V, M687V, M932V.
Identifiers: ClinVar variation 854519 (VCV000854519.12), dbSNP rs372479730, ClinGen allele CA3497596.

ClinVar aggregate classification (germline): Uncertain significance. Review status: criteria provided, multiple submitters, no conflicts (2 of 4 stars). 2 submissions from 2 submitters: Uncertain significance (2). Last evaluated 2025-05-02.

Conditions:
FBXO38-related disorder. Also called: FBXO38-related condition.
Distal hereditary motor neuropathy type 2. Identifiers: Orphanet 139525, MedGen C3711384, MeSH C580044, MONDO:0015352.

Allele frequency attached by ClinVar (database versions not stated): ExAC 0.00003; gnomAD 0.00003; gnomAD exomes 0.00003; TOPMed 0.00005; ESP Exome Variant Server 0.00008.
gnomAD v4.1: 47 of 1,611,232 alleles (0.0029%); highest among the groups gnomAD compares: African/African-American, 0.0067%; no homozygotes.

Submissions (2):

PreventionGenetics, part of Exact Sciences
Classification: Uncertain significance for FBXO38-related condition. Last evaluated: 2025-05-02. Review status: criteria provided, single submitter. Criteria: ACMG Guidelines, 2015. Collection method: clinical testing. Allele origin: germline.
Comment: The FBXO38 c.2569A>G variant is predicted to result in the amino acid substitution p.Met857Val. To our knowledge, this variant has not been reported in the literature. This variant is reported in 0.0080% of alleles in individuals of African descent in gnomAD. At this time, the clinical significance of this variant is uncertain due to the absence of conclusive functional and genetic evidence.

Labcorp Genetics (formerly Invitae), Labcorp
Classification: Uncertain significance for Distal hereditary motor neuropathy type 2. Last evaluated: 2024-10-29. Review status: criteria provided, single submitter. Criteria: Invitae Variant Classification Sherloc (09022015). Collection method: clinical testing. Allele origin: germline.
Comment: This sequence change replaces methionine, which is neutral and non-polar, with valine, which is neutral and non-polar, at codon 857 of the FBXO38 protein (p.Met857Val). This variant is present in population databases (rs372479730, gnomAD 0.008%). This variant has not been reported in the literature in individuals affected with FBXO38-related conditions. ClinVar contains an entry for this variant (Variation ID: 854519). An algorithm developed to predict the effect of missense changes on protein structure and function (PolyPhen-2) suggests that this variant is likely to be disruptive. In summary, the available evidence is currently insufficient to determine the role of this variant in disease. Therefore, it has been classified as a Variant of Uncertain Significance.